The following is an entry in ClinVar:

ClinVar aggregate classification (germline): Uncertain significance (1 of 4 stars; one submission).

Conditions:
Hereditary cancer-predisposing syndrome. Also called: Neoplastic Syndromes, Hereditary; Tumor predisposition; Hereditary neoplastic syndrome; Hereditary Cancer Syndrome. Identifiers: Orphanet 140162, MedGen C0027672, MeSH D009386, MONDO:0015356.

gnomAD v4.1: 1 of 1,613,706 alleles (0.000062%); highest among the groups gnomAD compares: African/African-American, 0.0013%; no homozygotes.

Submission:

Ambry Genetics
Classification: Uncertain significance for Hereditary cancer-predisposing syndrome. Last evaluated: 2025-04-01. Review status: criteria provided, single submitter. Criteria: Ambry Variant Classification Scheme 2023. Collection method: clinical testing. Allele origin: germline.
Comment: The p.N897D variant (also known as c.2689A>G), located in coding exon 11 of the MET gene, results from an A to G substitution at nucleotide position 2689. The asparagine at codon 897 is replaced by aspartic acid, an amino acid with highly similar properties. This amino acid position is conserved. In addition, this alteration is predicted to be tolerated by in silico analysis. Based on the available evidence, the clinical significance of this variant remains unclear.

NM_000245.4(MET):c.2635A>G (p.Asn879Asp)

Gene: MET (MET proto-oncogene, receptor tyrosine kinase; plus strand). Cytogenetic location: 7q31.2.
Variant type: single nucleotide variant.
Coding change: c.2635A>G on transcript NM_000245.4 (MANE Select); coding-DNA position 2635, A replaced by G.
Protein change: p.Asn879Asp; replaces asparagine 879 with aspartic acid.
Molecular consequence: missense variant.
Genome position (GRCh38, 1-based): chr7:116,769,696, A>G. VCF-style: chr7-116769696-A-G. GRCh37 (hg19) VCF-style: chr7-116409750-A-G.
Other names: c.2689A>G, p.Asn897Asp (NM_001127500.3); c.2635A>G, p.Asn879Asp (NM_001324401.3); c.1345A>G, p.Asn449Asp (NM_001324402.2); short protein forms N449D, N879D, N897D.
Identifiers: ClinVar variation 4053907 (VCV004053907.1).
Genomic context (GRCh38, chr7:116,769,696, plus strand): 5'-TCCTTTCAGGGAAATGATATTGACCCTGAAGCAGTTAAAGGTGAAGTGTTAAAAGTTGGA[A>G]ATAAGAGCTGTGAGAATATACACTTACATTCTGAAGCCGTTTTATGCACGGTCCCCAATG-3'
Protein context (NP_000236.2, residues 869-889): AVKGEVLKVG[Asn879Asp]KSCENIHLHS